The following is an entry in ClinVar:

NM_003227.4(TFR2):c.405_406del (p.Tyr136fs)

Gene: TFR2 (transferrin receptor 2; minus strand). Cytogenetic location: 7q22.1.
Variant type: Microsatellite.
Coding change: c.405_406del on transcript NM_003227.4 (MANE Select); coding-DNA positions 405 to 406, 2 bases deleted (CT; older notation c.405_406delCT).
Protein change: p.Tyr136fs; shifts the reading frame from tyrosine 136.
Molecular consequence: frameshift variant.
Genome position (GRCh38, 1-based): chr7:100,640,753-100,640,754, AG deleted on the plus strand (CT on the coding strand, the reverse complement: TFR2 is on the minus strand); deleting any 2 consecutive bases within chr7:100,640,753-100,640,756 gives the same sequence; the c. name uses the placement nearest the transcript's 3' end. VCF-style (leftmost placement, unchanged base first): chr7-100640752-TAG-T. GRCh37 (hg19) VCF-style: chr7-100238375-TAG-T.
Other names: short protein forms Y136fs.
Identifiers: ClinVar variation 1072555 (VCV001072555.8), dbSNP rs868823304, ClinGen allele CA163287881.
Genomic context (GRCh38, chr7:100,640,752, plus strand): 5'-GTGTCCTCCAGGCGCCCCTCCCCCAGGAACTGCAGGAACATGGCCTGGAGGTCGCTCCAG[TAG>T]AGTCTGCCCTGGTGGAAATCCAGGTCAGGCTCATAGTTGACATCCTCACTGACCACCAAC-3'

ClinVar aggregate classification (germline): Pathogenic/Likely pathogenic. Review status: criteria provided, multiple submitters, no conflicts (2 of 4 stars). 2 submissions from 2 submitters: Pathogenic (1); Likely pathogenic (1). Last evaluated 2023-06-15.

Conditions:
Hereditary hemochromatosis (HFE). Identifiers: MedGen C0392514, MONDO:0006507. Disease mechanism: loss of function.
Hemochromatosis type 3 (HFE3). Also called: HEMOCHROMATOSIS DUE TO DEFECT IN TRANSFERRIN RECEPTOR 2; Hereditary hemochromatosis type 3; TFR2-Related Hemochromatosis. Identifiers: Orphanet 225123, MedGen C1858664, MONDO:0011417, OMIM 604250.

Submissions (2):

Baylor Genetics
Classification: Likely pathogenic for Hemochromatosis type 3. Last evaluated: 2023-06-15. Review status: criteria provided, single submitter. Criteria: ACMG Guidelines, 2015. Collection method: clinical testing. Allele origin: unknown.

Labcorp Genetics (formerly Invitae), Labcorp
Classification: Pathogenic for Hereditary hemochromatosis. Last evaluated: 2023-04-06. Review status: criteria provided, single submitter. Criteria: Invitae Variant Classification Sherloc (09022015). Collection method: clinical testing. Allele origin: germline.
Comment: This variant is not present in population databases (gnomAD no frequency). This sequence change creates a premature translational stop signal (p.Tyr136Leufs*80) in the TFR2 gene. It is expected to result in an absent or disrupted protein product. Loss-of-function variants in TFR2 are known to be pathogenic (PMID: 23600741, 26029709). For these reasons, this variant has been classified as Pathogenic. This variant has not been reported in the literature in individuals affected with TFR2-related conditions.

Literature cited by the submitters: PubMed 23600741 (cited by Labcorp Genetics (formerly Invitae), Labcorp); PubMed 26029709 (cited by Labcorp Genetics (formerly Invitae), Labcorp).